The following is an entry in ClinVar:

NM_138927.4(SON):c.1292C>A (p.Pro431His)

Gene: SON (SON DNA and RNA binding protein; plus strand). Cytogenetic location: 21q22.11.
Variant type: single nucleotide variant.
Coding change: c.1292C>A on transcript NM_138927.4 (MANE Select); coding-DNA position 1292, C replaced by A.
Protein change: p.Pro431His; replaces proline 431 with histidine.
Molecular consequence: missense variant. On other transcripts: non-coding transcript variant (1), intron variant (1).
Genome position (GRCh38, 1-based): chr21:33,550,523, C>A. VCF-style: chr21-33550523-C-A. GRCh37 (hg19) VCF-style: chr21-34922829-C-A.
Other names: c.1292C>A, p.Pro431His (NM_001291411.2, NM_032195.3); c.244+4144C>A (NM_001291412.3); c.1292C>A (NM_138927.2); short protein forms P431H.
Identifiers: ClinVar variation 1348428 (VCV001348428.2), dbSNP rs1163452958, ClinGen allele CA410153522.

ClinVar aggregate classification (germline): Uncertain significance. Review status: criteria provided, multiple submitters, no conflicts (2 of 4 stars). 2 submissions from 2 submitters: Uncertain significance (2). Last evaluated 2023-09-26.

Conditions:
SON-related disorder. Also called: SON-related condition.

Submissions (2):

PreventionGenetics, part of Exact Sciences
Classification: Uncertain significance for SON-related condition. Last evaluated: 2023-09-26. Review status: criteria provided, single submitter. Criteria: ACMG Guidelines, 2015. Collection method: clinical testing. Allele origin: germline.
Comment: The SON c.1292C>A variant is predicted to result in the amino acid substitution p.Pro431His. To our knowledge, this variant has not been reported in the literature or in a large population database, indicating this variant is rare. At this time, the clinical significance of this variant is uncertain due to the absence of conclusive functional and genetic evidence.

Labcorp Genetics (formerly Invitae), Labcorp
Classification: Uncertain significance. Last evaluated: 2021-09-26. Review status: criteria provided, single submitter. Criteria: Invitae Variant Classification Sherloc (09022015). Collection method: clinical testing. Allele origin: germline.
Comment: This sequence change replaces proline with histidine at codon 431 of the SON protein (p.Pro431His). The proline residue is weakly conserved and there is a moderate physicochemical difference between proline and histidine. This variant is not present in population databases (ExAC no frequency). This variant has not been reported in the literature in individuals affected with SON-related conditions. Algorithms developed to predict the effect of missense changes on protein structure and function are either unavailable or do not agree on the potential impact of this missense change (SIFT: "Deleterious"; PolyPhen-2: "Probably Damaging"; Align-GVGD: "Class C0"). In summary, the available evidence is currently insufficient to determine the role of this variant in disease. Therefore, it has been classified as a Variant of Uncertain Significance.